The following is an entry in ClinVar:

NM_004336.5(BUB1):c.272A>T (p.Asn91Ile)

Gene: BUB1 (BUB1 mitotic checkpoint serine/threonine kinase; minus strand). Cytogenetic location: 2q13.
Variant type: single nucleotide variant.
Coding change: c.272A>T on transcript NM_004336.5 (MANE Select); coding-DNA position 272, A replaced by T.
Protein change: p.Asn91Ile; replaces asparagine 91 with isoleucine.
Molecular consequence: missense variant.
Genome position (GRCh38, 1-based): chr2:110,672,811, T>A on the plus strand (A>T on the coding strand, the complement: BUB1 is on the minus strand). VCF-style: chr2-110672811-T-A. GRCh37 (hg19) VCF-style: chr2-111430388-T-A.
Other names: c.212A>T, p.Asn71Ile (NM_001278616.2); c.272A>T, p.Asn91Ile (NM_001278617.2); short protein forms N91I, N71I.
Identifiers: ClinVar variation 2560898 (VCV002560898.2), dbSNP rs2468036064, ClinGen allele CA348220649.

ClinVar aggregate classification (germline): Uncertain significance (1 of 4 stars; one submission).

Submission:

Ambry Genetics
Classification: Uncertain significance. Last evaluated: 2023-05-14. Review status: criteria provided, single submitter. Criteria: Ambry Variant Classification Scheme 2023. Collection method: clinical testing. Allele origin: germline.
Comment: The p.N91I variant (also known as c.272A>T), located in coding exon 4 of the BUB1 gene, results from an A to T substitution at nucleotide position 272. The asparagine at codon 91 is replaced by isoleucine, an amino acid with dissimilar properties. This amino acid position is conserved. In addition, this alteration is predicted to be tolerated by in silico analysis. Since supporting evidence is limited at this time, the clinical significance of this alteration remains unclear.